The following is an entry in ClinVar:

ClinVar aggregate classification (germline): Conflicting classifications of pathogenicity. Review status: criteria provided, conflicting classifications (1 of 4 stars). 8 submissions from 8 submitters: Uncertain significance (1); Likely benign (5). 2 of the submissions do not count toward it. Last evaluated 2026-01-21.

Conditions:
Fanconi anemia (FA). Also called: Fanconi's anemia. Identifiers: Orphanet 84, MedGen C0015625, MeSH D005199, MONDO:0019391.
SLX4-related disorder. Also called: SLX4-related condition.
Fanconi anemia complementation group P. Also called: SLX4-Related Fanconi Anemia. Identifiers: Orphanet 84, MedGen C3469542, MONDO:0013499, OMIM 613951.

Allele frequency attached by ClinVar (database versions not stated): gnomAD 0.00006; ESP Exome Variant Server 0.00015; gnomAD exomes 0.00016; ExAC 0.00017; TOPMed 0.00017.
gnomAD v4.1: 365 of 1,614,032 alleles (0.023%); highest among the groups gnomAD compares: Admixed American, 0.03%; no homozygotes.

Submissions (8):

Labcorp Genetics (formerly Invitae), Labcorp
Classification: Likely benign for Fanconi anemia. Last evaluated: 2026-01-21. Review status: criteria provided, single submitter. Criteria: Invitae Variant Classification Sherloc (09022015). Collection method: clinical testing. Allele origin: germline.

CeGaT Center for Human Genetics Tuebingen
Classification: Likely benign. Last evaluated: 2025-01-01. Review status: criteria provided, single submitter. Criteria: CeGaT Center For Human Genetics Tuebingen Variant Classification Criteria Version 2. Collection method: clinical testing. Allele origin: germline. Affected: yes. Observed: 1 variant allele.
Comment: SLX4: BP4, BP7

Blueprint Genetics
Classification: Likely benign. Last evaluated: 2024-11-22. Review status: criteria provided, single submitter. Criteria: ACMG Guidelines, 2015. Collection method: clinical testing. Allele origin: germline.

Sema4
Classification: Likely benign for Fanconi anemia. Last evaluated: 2021-03-14. Review status: criteria provided, single submitter. Criteria: Sema4 Curation Guidelines. Collection method: curation. Allele origin: germline.

Illumina Laboratory Services, Illumina
Classification: Uncertain significance for Fanconi anemia complementation group P. Last evaluated: 2017-04-27. Review status: criteria provided, single submitter. Criteria: ICSL Variant Classification Criteria 13 December 2019. Collection method: clinical testing. Allele origin: germline.
Comment: This variant was observed as part of a predisposition screen in an ostensibly healthy population. A literature search was performed for the gene, cDNA change, and amino acid change (where applicable). Publications were found based on this search. However, the evidence from the literature, in combination with allele frequency data from public databases where available, was not sufficient to rule this variant in or out of causing disease. Therefore, this variant is classified as a variant of unknown significance.

Genetic Services Laboratory, University of Chicago
Classification: Likely benign. Last evaluated: 2016-09-13. Review status: criteria provided, single submitter. Criteria: ACMG Guidelines, 2015. Collection method: clinical testing. Allele origin: germline. Affected: no.

PreventionGenetics, part of Exact Sciences
Classification: Likely benign for SLX4-related condition. Last evaluated: 2019-02-28. Review status: no assertion criteria provided. Collection method: clinical testing. Allele origin: germline. Not counted in ClinVar's aggregate classification.
Comment: This variant is classified as likely benign based on ACMG/AMP sequence variant interpretation guidelines (Richards et al. 2015 PMID: 25741868, with internal and published modifications).

Leiden Open Variation Database
Classification: Likely benign. Last evaluated: 2012-08-31. Review status: no assertion criteria provided. Collection method: curation. Allele origin: germline. Affected: yes. Not counted in ClinVar's aggregate classification.
Comment: Curator: Arleen D. Auerbach. Submitter to LOVD: Janine Bakker.

Literature cited by the submitters: PubMed 22401137 (cited by Sema4 and Illumina Laboratory Services, Illumina); PubMed 22911665 (cited by Sema4 and Leiden Open Variation Database).

NM_032444.4(SLX4):c.4530G>T (p.Leu1510=)

Gene: SLX4 (SLX4 structure-specific endonuclease subunit; minus strand). Cytogenetic location: 16p13.3.
Variant type: single nucleotide variant.
Coding change: c.4530G>T on transcript NM_032444.4 (MANE Select); coding-DNA position 4530, G replaced by T.
Protein change: p.Leu1510=; no amino-acid change (leucine 1510 retained).
Molecular consequence: synonymous variant.
Genome position (GRCh38, 1-based): chr16:3,589,108, C>A on the plus strand (G>T on the coding strand, the complement: SLX4 is on the minus strand). VCF-style: chr16-3589108-C-A. GRCh37 (hg19) VCF-style: chr16-3639109-C-A.
Other names: c.4530G>T (NM_032444.3, LRG_503t1).
Identifiers: ClinVar variation 436777 (VCV000436777.35), dbSNP rs139254595, ClinGen allele CA7865609.
Genomic context (GRCh38, chr16:3,589,108, plus strand): 5'-CATCTGGGCCGGAGGAGGGGTCTCTGGAGGCCTCTGCTCTTCCCCGTCCCAAACGTCCCA[C>A]AGAGCCGAATTCAGAAAGCTCGGCCTGCTATTCCCCAGGGAGCCCGCGCCCGAGGACTTC-3'
Protein context (NP_115820.2, residues 1500-1520): NSRPSFLNSA[Leu1510=]WDVWDGEEQR